The following is an entry in ClinVar:

NM_001110556.2(FLNA):c.4900G>A (p.Val1634Met)

Gene: FLNA (filamin A; minus strand). Cytogenetic location: Xq28.
Variant type: single nucleotide variant.
Coding change: c.4900G>A on transcript NM_001110556.2 (MANE Select); coding-DNA position 4900, G replaced by A.
Protein change: p.Val1634Met; replaces valine 1634 with methionine.
Molecular consequence: missense variant.
Genome position (GRCh38, 1-based): chrX:154,357,479, C>T on the plus strand (G>A on the coding strand, the complement: FLNA is on the minus strand). VCF-style: chrX-154357479-C-T. GRCh37 (hg19) VCF-style: chrX-153585847-C-T.
Other names: c.4900G>A, p.Val1634Met (NM_001456.4); short protein forms V1634M.
Identifiers: ClinVar variation 1717592 (VCV001717592.6), dbSNP rs2522733303, ClinGen allele CA415213554.

ClinVar aggregate classification (germline): Uncertain significance (1 of 4 stars; one submission).

Conditions:
Melnick-Needles syndrome (MNS). Also called: MELNICK-NEEDLES OSTEODYSPLASTY; OSTEODYSPLASTY OF MELNICK AND NEEDLES; Melnick-Needles Syndrome (FLNA-MNS). Identifiers: Orphanet 2484, MedGen C0025237, MONDO:0010650, OMIM 309350.
Heterotopia, periventricular, X-linked dominant (PVNH1). Also called: PERIVENTRICULAR NODULAR HETEROTOPIA 1; X-linked periventricular heterotopia; HETEROTOPIA, PERIVENTRICULAR, 1; PERIVENTRICULAR NODULAR HETEROTOPIA 4. Identifiers: Orphanet 2149, Orphanet 82004, MedGen C1848213, MONDO:0010233, OMIM 300049.
Oto-palato-digital syndrome, type II (OPD2). Also called: OPD II SYNDROME; Otopalatodigital Syndrome, Type II; FACIOPALATOOSSEOUS SYNDROME; Otopalatodigital Syndrome Type 2 (FLNA-OPD2). Identifiers: Orphanet 669, Orphanet 90652, MedGen C1844696, MONDO:0010571, OMIM 304120.
Frontometaphyseal dysplasia (FMD1). Identifiers: Orphanet 1826, MedGen C0265293, MONDO:0015942.

gnomAD v4.1: 1 of 1,211,308 alleles (0.000083%); highest among the groups gnomAD compares: Non-Finnish European, 0.00011%; no homozygotes.

Submission:

Labcorp Genetics (formerly Invitae), Labcorp
Classification: Uncertain significance for Oto-palato-digital syndrome, type II; Heterotopia, periventricular, X-linked dominant; Frontometaphyseal dysplasia; Melnick-Needles syndrome. Last evaluated: 2023-08-10. Review status: criteria provided, single submitter. Criteria: Invitae Variant Classification Sherloc (09022015). Collection method: clinical testing. Allele origin: germline.
Comment: In summary, the available evidence is currently insufficient to determine the role of this variant in disease. Therefore, it has been classified as a Variant of Uncertain Significance. Advanced modeling of protein sequence and biophysical properties (such as structural, functional, and spatial information, amino acid conservation, physicochemical variation, residue mobility, and thermodynamic stability) performed at Invitae indicates that this missense variant is not expected to disrupt FLNA protein function. ClinVar contains an entry for this variant (Variation ID: 1717592). This variant has not been reported in the literature in individuals affected with FLNA-related conditions. This variant is not present in population databases (gnomAD no frequency). This sequence change replaces valine, which is neutral and non-polar, with methionine, which is neutral and non-polar, at codon 1634 of the FLNA protein (p.Val1634Met).